The following is an entry in ClinVar:

NM_001282874.2(SMARCA1):c.2221G>T (p.Gly741Cys)

Gene: SMARCA1 (SNF2 related chromatin remodeling ATPase 1; minus strand). Cytogenetic location: Xq25.
Variant type: single nucleotide variant.
Coding change: c.2221G>T on transcript NM_001282874.2 (MANE Select); coding-DNA position 2221, G replaced by T.
Protein change: p.Gly741Cys; replaces glycine 741 with cysteine.
Molecular consequence: missense variant.
Genome position (GRCh38, 1-based): chrX:129,481,182, C>A on the plus strand (G>T on the coding strand, the complement: SMARCA1 is on the minus strand). VCF-style: chrX-129481182-C-A. GRCh37 (hg19) VCF-style: chrX-128615159-C-A.
Other names: c.2185G>T, p.Gly729Cys (NM_001282875.2, NM_001378262.1, NM_001378263.1 and 1 more transcripts); c.2221G>T, p.Gly741Cys (NM_001378261.1, NM_003069.5); short protein forms G729C, G741C.
Identifiers: ClinVar variation 3899528 (VCV003899528.1).

ClinVar aggregate classification (germline): Uncertain significance (1 of 4 stars; one submission).

Submission:

GeneDx
Classification: Uncertain significance. Last evaluated: 2024-02-18. Review status: criteria provided, single submitter. Criteria: GeneDx Variant Classification Process June 2021. Collection method: clinical testing. Allele origin: germline. Affected: yes.
Comment: Not observed at significant frequency in large population cohorts (gnomAD); In silico analysis supports that this missense variant has a deleterious effect on protein structure/function; Has not been previously published as pathogenic or benign to our knowledge; Variants in candidate genes are classified as variants of uncertain significance in accordance with ACMG guidelines (PMID: 25741868)